The following is an entry in ClinVar:

ClinVar aggregate classification (germline): Uncertain significance (1 of 4 stars; one submission).

Conditions:
Cardiovascular phenotype. Identifiers: MedGen CN230736.

Submission:

Ambry Genetics
Classification: Uncertain significance for Cardiovascular phenotype. Last evaluated: 2024-12-24. Review status: criteria provided, single submitter. Criteria: Ambry Variant Classification Scheme 2023. Collection method: clinical testing. Allele origin: germline.
Comment: The p.L407H variant (also known as c.1220T>A), located in coding exon 22 of the COL1A2 gene, results from a T to A substitution at nucleotide position 1220. The leucine at codon 407 is replaced by histidine, an amino acid with similar properties. This amino acid position is well conserved in available vertebrate species. In addition, this alteration is predicted to be deleterious by in silico analysis. Based on the available evidence, the clinical significance of this variant remains unclear.

NM_000089.4(COL1A2):c.1220T>A (p.Leu407His)

Gene: COL1A2 (collagen type I alpha 2 chain; plus strand). Cytogenetic location: 7q21.3.
Variant type: single nucleotide variant.
Coding change: c.1220T>A on transcript NM_000089.4 (MANE Select); coding-DNA position 1220, T replaced by A.
Protein change: p.Leu407His; replaces leucine 407 with histidine.
Molecular consequence: missense variant.
Genome position (GRCh38, 1-based): chr7:94,410,911, T>A. VCF-style: chr7-94410911-T-A. GRCh37 (hg19) VCF-style: chr7-94040223-T-A.
Other names: short protein forms L407H.
Identifiers: ClinVar variation 3835093 (VCV003835093.1).